The following is an entry in ClinVar:

NM_005184.4(CALM3):c.438G>A (p.Met146Ile)

Gene: CALM3 (calmodulin 3; plus strand). Cytogenetic location: 19q13.32.
Variant type: single nucleotide variant.
Coding change: c.438G>A on transcript NM_005184.4 (MANE Select); coding-DNA position 438, G replaced by A.
Protein change: p.Met146Ile; replaces methionine 146 with isoleucine.
Molecular consequence: missense variant.
Genome position (GRCh38, 1-based): chr19:46,609,141, G>A. VCF-style: chr19-46609141-G-A. GRCh37 (hg19) VCF-style: chr19-47112398-G-A.
Other names: c.330G>A, p.Met110Ile (NM_001329921.1, NM_001329923.1, NM_001329924.2 and 2 more transcripts); c.438G>A, p.Met146Ile (NM_001329922.1); short protein forms M110I, M146I.
Identifiers: ClinVar variation 3723884 (VCV003723884.2).
Genomic context (GRCh38, chr19:46,609,141, plus strand): 5'-TAGCCTGCCCGCCTGACCTCCTCTCTCTCTGCTTCACTCCACAGAGTTTGTACAGATGAT[G>A]ACTGCAAAGTGAAGGCCCCCCGGGCAGCTGGCGATGCCCGTTCTCTTGATCTCTCTCTTC-3'
Protein context (NP_005175.2, residues 136-149): QVNYEEFVQM[Met146Ile]TAK

ClinVar aggregate classification (germline): Uncertain significance (1 of 4 stars; one submission).

Conditions:
Long QT syndrome 1 (LQT1). Identifiers: Orphanet 101016, Orphanet 768, MedGen C4551647, MONDO:0100316, OMIM 192500, MONDO:0008646.

Submission:

Labcorp Genetics (formerly Invitae), Labcorp
Classification: Uncertain significance for Long QT syndrome 1. Last evaluated: 2025-03-31. Review status: criteria provided, single submitter. Criteria: Invitae Variant Classification Sherloc (09022015). Collection method: clinical testing. Allele origin: germline.
Comment: This sequence change replaces methionine, which is neutral and non-polar, with isoleucine, which is neutral and non-polar, at codon 146 of the CALM3 protein (p.Met146Ile). This variant is not present in population databases (gnomAD no frequency). This variant has not been reported in the literature in individuals affected with CALM3-related conditions. An algorithm developed to predict the effect of missense changes on protein structure and function (PolyPhen-2) suggests that this variant is likely to be tolerated. In summary, the available evidence is currently insufficient to determine the role of this variant in disease. Therefore, it has been classified as a Variant of Uncertain Significance.